The following is an entry in ClinVar:

NM_020812.4(DOCK6):c.3281C>A (p.Thr1094Asn)

Gene: DOCK6 (dedicator of cytokinesis 6; minus strand). Cytogenetic location: 19p13.2.
Variant type: single nucleotide variant.
Coding change: c.3281C>A on transcript NM_020812.4 (MANE Select); coding-DNA position 3281, C replaced by A.
Protein change: p.Thr1094Asn; replaces threonine 1094 with asparagine.
Molecular consequence: missense variant.
Genome position (GRCh38, 1-based): chr19:11,222,208, G>T on the plus strand (C>A on the coding strand, the complement: DOCK6 is on the minus strand). VCF-style: chr19-11222208-G-T. GRCh37 (hg19) VCF-style: chr19-11332884-G-T.
Other names: c.3386C>A, p.Thr1129Asn (NM_001367830.1); c.3281C>A (NM_020812.2); short protein forms T1094N, T1129N.
Identifiers: ClinVar variation 1017626 (VCV001017626.8), dbSNP rs543859881, ClinGen allele CA9207305.

ClinVar aggregate classification (germline): Uncertain significance. Review status: criteria provided, multiple submitters, no conflicts (2 of 4 stars). 2 submissions from 2 submitters: Uncertain significance (2). Last evaluated 2025-04-28.

Conditions:
Inborn genetic diseases. Identifiers: MedGen C0950123, MeSH D030342.

Allele frequency attached by ClinVar (database versions not stated): gnomAD 0.00001; gnomAD exomes 0.00001; TOPMed 0.00001; ExAC 0.00003.
gnomAD v4.1: 12 of 1,606,014 alleles (0.00075%); highest among the groups gnomAD compares: Admixed American, 0.0017%; no homozygotes.

Submissions (2):

Labcorp Genetics (formerly Invitae), Labcorp
Classification: Uncertain significance. Last evaluated: 2025-04-28. Review status: criteria provided, single submitter. Criteria: Invitae Variant Classification Sherloc (09022015). Collection method: clinical testing. Allele origin: germline.
Comment: This sequence change replaces threonine, which is neutral and polar, with asparagine, which is neutral and polar, at codon 1094 of the DOCK6 protein (p.Thr1094Asn). This variant is present in population databases (rs543859881, gnomAD 0.002%). This variant has not been reported in the literature in individuals affected with DOCK6-related conditions. ClinVar contains an entry for this variant (Variation ID: 1017626). Invitae Evidence Modeling of protein sequence and biophysical properties (such as structural, functional, and spatial information, amino acid conservation, physicochemical variation, residue mobility, and thermodynamic stability) indicates that this missense variant is not expected to disrupt DOCK6 protein function with a negative predictive value of 80%. In summary, the available evidence is currently insufficient to determine the role of this variant in disease. Therefore, it has been classified as a Variant of Uncertain Significance.

Ambry Genetics
Classification: Uncertain significance for Inborn genetic diseases. Last evaluated: 2025-04-01. Review status: criteria provided, single submitter. Criteria: Ambry Variant Classification Scheme 2023. Collection method: clinical testing. Allele origin: germline.